The following is an entry in ClinVar:

NM_006466.4(POLR3F):c.430-68A>T

Gene: POLR3F (RNA polymerase III subunit F; plus strand). Cytogenetic location: 20p11.23.
Variant type: single nucleotide variant.
Coding change: c.430-68A>T on transcript NM_006466.4 (MANE Select); 68 bases into the intron before coding-DNA position 430, A replaced by T.
Molecular consequence: intron variant.
Genome position (GRCh38, 1-based): chr20:18,479,970, A>T. VCF-style: chr20-18479970-A-T. GRCh37 (hg19) VCF-style: chr20-18460614-A-T.
Other names: NC_000020.10:g.18460614A>T; c.307-68A>T (NM_001282526.2); c.430-432A>T (NM_001410821.1).
Identifiers: ClinVar variation 2687933 (VCV002687933.3), dbSNP rs6035056, ClinGen allele CA15975732.

ClinVar aggregate classification (germline): Benign (1 of 4 stars; one submission).

Allele frequency attached by ClinVar (database versions not stated): TOPMed 0.81362; 1000 Genomes Project 30x 0.81949; 1000 Genomes Project 0.81969; gnomAD exomes 0.86657.

Submissions (3):

Unidad de Genómica Garrahan, Hospital de Pediatría Garrahan
Classification: Benign. Last evaluated: 2024-01-24. Review status: criteria provided, single submitter. Criteria: ACMG Guidelines, 2015. Collection method: clinical testing. Allele origin: germline. Affected: no. Observed: 90 variant alleles.
Comment: This variant is classified as Benign based on local population frequency. This variant was detected in 95% of patients studied by a panel of primary immunodeficiencies. Number of patients: 90. Only high quality variants are reported.

Dr. Peter K. Rogan Lab, Western University
No classification provided (evidence only). Condition: Hepatocellular carcinoma. Review status: no classification provided. Collection method: in vitro. Allele origin: not applicable. Functional consequence: retained intron. Not counted in ClinVar's aggregate classification.

Dr. Peter K. Rogan Lab, Western University
No classification provided (evidence only). Condition: Uveal melanoma. Review status: no classification provided. Collection method: in vitro. Allele origin: not applicable. Functional consequence: retained intron. Not counted in ClinVar's aggregate classification.